The following is an entry in ClinVar:

NM_017617.5(NOTCH1):c.1955C>T (p.Ser652Leu)

Gene: NOTCH1 (notch receptor 1; minus strand). Cytogenetic location: 9q34.3.
Variant type: single nucleotide variant.
Coding change: c.1955C>T on transcript NM_017617.5 (MANE Select); coding-DNA position 1955, C replaced by T.
Protein change: p.Ser652Leu; replaces serine 652 with leucine.
Molecular consequence: missense variant.
Genome position (GRCh38, 1-based): chr9:136,515,349, G>A on the plus strand (C>T on the coding strand, the complement: NOTCH1 is on the minus strand). VCF-style: chr9-136515349-G-A. GRCh37 (hg19) VCF-style: chr9-139409801-G-A.
Other names: short protein forms S652L.
Identifiers: ClinVar variation 3406846 (VCV003406846.1).

ClinVar aggregate classification (germline): Uncertain significance (1 of 4 stars; one submission).

Conditions:
Familial thoracic aortic aneurysm and aortic dissection (TAAD). Also called: Thoracic aortic aneurysms and dissections. Identifiers: Orphanet 91387, MedGen C4707243, MONDO:0019625.

gnomAD v4.1: 46 of 1,613,046 alleles (0.0029%); highest among the groups gnomAD compares: South Asian, 0.0055%; no homozygotes.

Submission:

Ambry Genetics
Classification: Uncertain significance for Familial thoracic aortic aneurysm and aortic dissection. Last evaluated: 2024-10-15. Review status: criteria provided, single submitter. Criteria: Ambry Variant Classification Scheme 2023. Collection method: clinical testing. Allele origin: germline.
Comment: The p.S652L variant (also known as c.1955C>T), located in coding exon 12 of the NOTCH1 gene, results from a C to T substitution at nucleotide position 1955. The serine at codon 652 is replaced by leucine, an amino acid with dissimilar properties. This amino acid position is conserved. In addition, this alteration is predicted to be tolerated by in silico analysis. Based on the available evidence, the clinical significance of this variant remains unclear.